The following is an entry in ClinVar:

NM_001458.5(FLNC):c.421T>C (p.Tyr141His)

Gene: FLNC (filamin C; plus strand). Cytogenetic location: 7q32.1.
Variant type: single nucleotide variant.
Coding change: c.421T>C on transcript NM_001458.5 (MANE Select); coding-DNA position 421, T replaced by C.
Protein change: p.Tyr141His; replaces tyrosine 141 with histidine.
Molecular consequence: missense variant.
Genome position (GRCh38, 1-based): chr7:128,835,394, T>C. VCF-style: chr7-128835394-T-C. GRCh37 (hg19) VCF-style: chr7-128475448-T-C.
Other names: c.421T>C, p.Tyr141His (NM_001127487.2); short protein forms Y141H.
Identifiers: ClinVar variation 2004110 (VCV002004110.5), dbSNP rs2536614530, ClinGen allele CA369218996.

ClinVar aggregate classification (germline): Uncertain significance. Review status: criteria provided, multiple submitters, no conflicts (2 of 4 stars). 2 submissions from 2 submitters: Uncertain significance (2). Last evaluated 2025-03-20.

Conditions:
Myofibrillar myopathy 5. Also called: Filaminopathy (type); FILAMINOPATHY, AUTOSOMAL DOMINANT. Identifiers: Orphanet 171445, MedGen C1836050, MONDO:0012289, OMIM 609524.
Distal myopathy with posterior leg and anterior hand involvement. Also called: WILLIAMS DISTAL MYOPATHY. Identifiers: Orphanet 63273, MedGen C3279722, MONDO:0013550, OMIM 614065.
Hypertrophic cardiomyopathy 26. Also called: Cardiomyopathy, familial hypertrophic, 26. Identifiers: Orphanet 75249, MedGen C4310749, MONDO:0014883, OMIM 617047.

Allele frequency attached by ClinVar (database versions not stated): gnomAD exomes below 0.00001.
gnomAD v4.1: 2 of 1,614,114 alleles (0.00012%); highest among the groups gnomAD compares: Non-Finnish European, 0.00017%; no homozygotes.

Submissions (2):

GeneDx
Classification: Uncertain significance. Last evaluated: 2025-03-20. Review status: criteria provided, single submitter. Criteria: GeneDx Variant Classification Process June 2021. Collection method: clinical testing. Allele origin: germline. Affected: yes.
Comment: Not observed at significant frequency in large population cohorts (gnomAD); In silico analysis supports that this missense variant has a deleterious effect on protein structure/function; Has not been previously published as pathogenic or benign to our knowledge

Labcorp Genetics (formerly Invitae), Labcorp
Classification: Uncertain significance for Distal myopathy with posterior leg and anterior hand involvement; Myofibrillar myopathy 5; Hypertrophic cardiomyopathy 26. Last evaluated: 2022-06-09. Review status: criteria provided, single submitter. Criteria: Invitae Variant Classification Sherloc (09022015). Collection method: clinical testing. Allele origin: germline.
Comment: This variant is not present in population databases (gnomAD no frequency). This sequence change replaces tyrosine, which is neutral and polar, with histidine, which is basic and polar, at codon 141 of the FLNC protein (p.Tyr141His). This variant has not been reported in the literature in individuals affected with FLNC-related conditions. In summary, the available evidence is currently insufficient to determine the role of this variant in disease. Therefore, it has been classified as a Variant of Uncertain Significance. Algorithms developed to predict the effect of missense changes on protein structure and function are either unavailable or do not agree on the potential impact of this missense change (SIFT: "Deleterious"; PolyPhen-2: "Probably Damaging"; Align-GVGD: "Class C0").